The following continues an entry in ClinVar:

NM_000256.3(MYBPC3):c.1789C>T (p.Arg597Trp)

Gene: MYBPC3. ClinVar aggregate classification (germline): Conflicting classifications of pathogenicity. Likely pathogenic (1); Uncertain significance (12).

Submissions 8 to 15 of 15:

Color Diagnostics, LLC DBA Color Health
Classification: Uncertain significance for Cardiomyopathy. Last evaluated: 2023-10-23. Review status: criteria provided, single submitter. Criteria: ACMG Guidelines, 2015. Collection method: clinical testing. Allele origin: germline.
Comment: This missense variant replaces arginine with tryptophan at codon 597 of the MYBPC3 protein. Computational prediction suggests that this variant may have deleterious impact on protein structure and function (internally defined REVEL score threshold >= 0.7, PMID: 27666373). To our knowledge, functional studies have not been reported for this variant.This variant has been reported in two unrelated individuals affected with hypertrophic cardiomyopathy (HCM) (PMID: 25524337, 27532257). This variant has been reported in another individual affected with HCM, who also carried a pathogenic truncation variant in the same gene (PMID: 30896616). Additionally, this variant has been reported in three related individuals from an Italian family affected with HCM, who also carried a variant of uncertain significance in the MYH7 gene (Serio 2009). This variant has not been identified in the general population by the Genome Aggregation Database (gnomAD). A different variant occurring at the same codon, p.Arg597Gln, is a well documented pathogenic mutation (Clinvar variation ID: 164098), indicating that arginine at this position is important for MYBPC3 protein function. The available evidence is insufficient to determine the role of this variant in disease conclusively. Therefore, this variant is classified as a Variant of Uncertain Significance.

Blueprint Genetics
Classification: Uncertain significance. Last evaluated: 2022-09-09. Review status: criteria provided, single submitter. Criteria: ACMG Guidelines, 2015. Collection method: clinical testing. Allele origin: germline.

Laboratory for Molecular Medicine, Mass General Brigham Personalized Medicine
Classification: Uncertain significance. Last evaluated: 2021-12-09. Review status: criteria provided, single submitter. Criteria: ACMG Guidelines, 2015. Collection method: clinical testing. Allele origin: germline.
Comment: proposed classification - variant undergoing re-assessment, contact laboratory

Fulgent Genetics
Classification: Uncertain significance for Hypertrophic cardiomyopathy 4; Left ventricular noncompaction 10. Last evaluated: 2021-09-30. Review status: criteria provided, single submitter. Criteria: ACMG Guidelines, 2015. Collection method: clinical testing. Allele origin: unknown.

AiLife Diagnostics
Classification: Uncertain significance. Last evaluated: 2021-06-28. Review status: criteria provided, single submitter. Criteria: ACMG Guidelines, 2015. Collection method: clinical testing. Allele origin: germline. Affected: yes. Observed: 1 variant allele.

Eurofins Ntd Llc (ga)
Classification: Uncertain significance. Last evaluated: 2016-02-24. Review status: criteria provided, single submitter. Criteria: EGL Classification Definitions 2015. Collection method: clinical testing. Allele origin: germline. Observed: 3 variant alleles, 3 heterozygotes.

Clinical Genetics, Academic Medical Center
Classification: Uncertain significance. Review status: no assertion criteria provided. Collection method: clinical testing. Allele origin: germline. Affected: yes. Study: VKGL Data-share Consensus. Not counted in ClinVar's aggregate classification.

Diagnostic Laboratory, Department of Genetics, University Medical Center Groningen
Classification: Uncertain significance. Review status: no assertion criteria provided. Collection method: clinical testing. Allele origin: germline. Affected: yes. Study: VKGL Data-share Consensus. Not counted in ClinVar's aggregate classification.

Literature cited by the submitters: PubMed 25524337 (cited by 6 submitters); PubMed 27532257 (cited by 6 submitters); PubMed 30896616 (cited by 5 submitters); PubMed 32841044 (cited by Ambry Genetics); PubMed 33954932 (cited by Ambry Genetics); PubMed 33782553 (cited by Labcorp Genetics (formerly Invitae), Labcorp); PubMed 36788754 (cited by Labcorp Genetics (formerly Invitae), Labcorp); PubMed 37652022 (cited by Labcorp Genetics (formerly Invitae), Labcorp); PubMed 28679633 (cited by Laboratory for Molecular Medicine, Mass General Brigham Personalized Medicine and AiLife Diagnostics); PubMed 33258288 (cited by AiLife Diagnostics).